The following is an entry in ClinVar:

ClinVar aggregate classification (germline): Uncertain significance (1 of 4 stars; one submission).

Conditions:
BBS12-related disorder. Also called: BBS12-related condition.

Submission:

PreventionGenetics, part of Exact Sciences
Classification: Uncertain significance for BBS12-related condition. Last evaluated: 2025-08-29. Review status: criteria provided, single submitter. Criteria: ACMG Guidelines, 2015. Collection method: clinical testing. Allele origin: germline.
Comment: The BBS12 c.665C>G variant is predicted to result in the amino acid substitution p.Ala222Gly. To our knowledge, this variant has not been reported in the literature or in a large population database (gnomAD), indicating this variant is rare. At this time, the clinical significance of this variant is uncertain due to the absence of conclusive functional and genetic evidence.

NM_152618.3(BBS12):c.665C>G (p.Ala222Gly)

Gene: BBS12 (Bardet-Biedl syndrome 12; plus strand). Cytogenetic location: 4q27.
Variant type: single nucleotide variant.
Coding change: c.665C>G on transcript NM_152618.3 (MANE Select); coding-DNA position 665, C replaced by G.
Protein change: p.Ala222Gly; replaces alanine 222 with glycine.
Molecular consequence: missense variant.
Genome position (GRCh38, 1-based): chr4:122,742,557, C>G. VCF-style: chr4-122742557-C-G. GRCh37 (hg19) VCF-style: chr4-123663712-C-G.
Other names: c.665C>G, p.Ala222Gly (NM_001178007.2); short protein forms A222G.
Identifiers: ClinVar variation 4987899 (VCV004987899.1).